The following is an entry in ClinVar:

ClinVar aggregate classification (germline): Uncertain significance (1 of 4 stars; one submission).

Allele frequency attached by ClinVar (database versions not stated): TOPMed 0.00001.

Submission:

Labcorp Genetics (formerly Invitae), Labcorp
Classification: Uncertain significance. Last evaluated: 2022-11-08. Review status: criteria provided, single submitter. Criteria: Invitae Variant Classification Sherloc (09022015). Collection method: clinical testing. Allele origin: germline.
Comment: In summary, the available evidence is currently insufficient to determine the role of this variant in disease. Therefore, it has been classified as a Variant of Uncertain Significance. Algorithms developed to predict the effect of missense changes on protein structure and function output the following: SIFT: "Not Available"; PolyPhen-2: "Benign"; Align-GVGD: "Not Available". The leucine amino acid residue is found in multiple mammalian species, which suggests that this missense change does not adversely affect protein function. This variant has not been reported in the literature in individuals affected with SEC24D-related conditions. This variant is not present in population databases (gnomAD no frequency). This sequence change replaces methionine, which is neutral and non-polar, with leucine, which is neutral and non-polar, at codon 127 of the SEC24D protein (p.Met127Leu).

NM_014822.4(SEC24D):c.379A>C (p.Met127Leu)

Gene: SEC24D (SEC24 homolog D, COPII component; minus strand). Cytogenetic location: 4q26.
Variant type: single nucleotide variant.
Coding change: c.379A>C on transcript NM_014822.4 (MANE Select); coding-DNA position 379, A replaced by C.
Protein change: p.Met127Leu; replaces methionine 127 with leucine.
Molecular consequence: missense variant.
Genome position (GRCh38, 1-based): chr4:118,817,282, T>G on the plus strand (A>C on the coding strand, the complement: SEC24D is on the minus strand). VCF-style: chr4-118817282-T-G. GRCh37 (hg19) VCF-style: chr4-119738437-T-G.
Other names: c.379A>C, p.Met127Leu (NM_001318066.2); short protein forms M127L.
Identifiers: ClinVar variation 1957229 (VCV001957229.5), dbSNP rs1730191027, ClinGen allele CA358016238.